The following is an entry in ClinVar:

NM_003000.3(SDHB):c.714C>A (p.Phe238Leu)

Gene: SDHB (succinate dehydrogenase complex iron sulfur subunit B; minus strand). Cytogenetic location: 1p36.13.
Variant type: single nucleotide variant.
Coding change: c.714C>A on transcript NM_003000.3 (MANE Select); coding-DNA position 714, C replaced by A.
Protein change: p.Phe238Leu; replaces phenylalanine 238 with leucine.
Molecular consequence: missense variant.
Genome position (GRCh38, 1-based): chr1:17,022,659, G>T on the plus strand (C>A on the coding strand, the complement: SDHB is on the minus strand). VCF-style: chr1-17022659-G-T. GRCh37 (hg19) VCF-style: chr1-17349154-G-T.
Other names: short protein forms F238L.
Identifiers: ClinVar variation 459165 (VCV000459165.10), dbSNP rs1553177278, ClinGen allele CA338270252.

ClinVar aggregate classification (germline): Uncertain significance. Review status: criteria provided, multiple submitters, no conflicts (2 of 4 stars). 2 submissions from 2 submitters: Uncertain significance (2). Last evaluated 2025-05-14.

Conditions:
Pheochromocytoma. Also called: MAX-Related Hereditary Paraganglioma-Pheochromocytoma Syndrome. Identifiers: Orphanet 29072, MedGen C0031511, MONDO:0008233, OMIM 171300, HP:0002666.
Pheochromocytoma/paraganglioma syndrome 4. Also called: SDHB-Related Hereditary Paraganglioma-Pheochromocytoma Syndrome (Paragangliomas 4); CAROTID BODY TUMORS AND MULTIPLE EXTRAADRENAL PHEOCHROMOCYTOMAS; PARAGANGLIOMA, FAMILIAL MALIGNANT; PARAGANGLIOMAS, HEREDITARY EXTRAADRENAL; SDHB-Related Hereditary Paraganglioma-Pheochromocytoma Syndrome; PHEOCHROMOCYTOMA, FAMILIAL EXTRAADRENAL. Identifiers: Orphanet 29072, MedGen C1861848, MONDO:0007273, OMIM 115310.
Gastrointestinal stromal tumor. Also called: Gastrointestinal stroma tumor; Gastrointestinal stromal tumor, somatic. Identifiers: Orphanet 44890, MedGen C0238198, MeSH D046152, MONDO:0011719, OMIM 606764, HP:0100723.
Hereditary cancer-predisposing syndrome. Also called: Tumor predisposition; Hereditary neoplastic syndrome; Neoplastic Syndromes, Hereditary; Hereditary Cancer Syndrome. Identifiers: Orphanet 140162, MedGen C0027672, MeSH D009386, MONDO:0015356.

Allele frequency attached by ClinVar (database versions not stated): gnomAD exomes below 0.00001.
gnomAD v4.1: 1 of 1,614,118 alleles (0.000062%); highest among the groups gnomAD compares: East Asian, 0.0022%; no homozygotes.

Submissions (2):

Labcorp Genetics (formerly Invitae), Labcorp
Classification: Uncertain significance for Gastrointestinal stromal tumor; Pheochromocytoma/paraganglioma syndrome 4; Pheochromocytoma. Last evaluated: 2025-05-14. Review status: criteria provided, single submitter. Criteria: Invitae Variant Classification Sherloc (09022015). Collection method: clinical testing. Allele origin: germline.
Comment: This sequence change replaces phenylalanine, which is neutral and non-polar, with leucine, which is neutral and non-polar, at codon 238 of the SDHB protein (p.Phe238Leu). This variant is not present in population databases (gnomAD no frequency). This variant has not been reported in the literature in individuals affected with SDHB-related conditions. ClinVar contains an entry for this variant (Variation ID: 459165). Invitae Evidence Modeling of protein sequence and biophysical properties (such as structural, functional, and spatial information, amino acid conservation, physicochemical variation, residue mobility, and thermodynamic stability) indicates that this missense variant is not expected to disrupt SDHB protein function with a negative predictive value of 80%. In summary, the available evidence is currently insufficient to determine the role of this variant in disease. Therefore, it has been classified as a Variant of Uncertain Significance.

Ambry Genetics
Classification: Uncertain significance for Hereditary cancer-predisposing syndrome. Last evaluated: 2023-05-17. Review status: criteria provided, single submitter. Criteria: Ambry Variant Classification Scheme 2023. Collection method: clinical testing. Allele origin: germline.
Comment: The p.F238L variant (also known as c.714C>A), located in coding exon 7 of the SDHB gene, results from a C to A substitution at nucleotide position 714. The phenylalanine at codon 238 is replaced by leucine, an amino acid with highly similar properties. This amino acid position is conserved. In addition, this alteration is predicted to be deleterious by in silico analysis. Since supporting evidence is limited at this time, the clinical significance of this alteration remains unclear.